The following is an entry in ClinVar:

ClinVar aggregate classification (germline): Uncertain significance (1 of 4 stars; one submission).

Conditions:
Combined immunodeficiency due to LRBA deficiency. Also called: Common variable immunodeficiency 8, with autoimmunity. Identifiers: Orphanet 445018, MedGen C3553512, MONDO:0013863, OMIM 614700.

Allele frequency attached by ClinVar (database versions not stated): gnomAD exomes below 0.00001.
gnomAD v4.1: 1 of 1,614,052 alleles (0.000062%); highest among the groups gnomAD compares: Admixed American, 0.0017%; no homozygotes.

Submission:

Labcorp Genetics (formerly Invitae), Labcorp
Classification: Uncertain significance for Combined immunodeficiency due to LRBA deficiency. Last evaluated: 2021-04-29. Review status: criteria provided, single submitter. Criteria: Invitae Variant Classification Sherloc (09022015). Collection method: clinical testing. Allele origin: germline.
Comment: This sequence change replaces serine with glycine at codon 1261 of the LRBA protein (p.Ser1261Gly). The serine residue is weakly conserved and there is a small physicochemical difference between serine and glycine. This variant is not present in population databases (ExAC no frequency). This variant has not been reported in the literature in individuals with LRBA-related conditions. Algorithms developed to predict the effect of missense changes on protein structure and function (SIFT, PolyPhen-2, Align-GVGD) all suggest that this variant is likely to be tolerated, but these predictions have not been confirmed by published functional studies and their clinical significance is uncertain. In summary, the available evidence is currently insufficient to determine the role of this variant in disease. Therefore, it has been classified as a Variant of Uncertain Significance.

NM_001364905.1(LRBA):c.3781A>G (p.Ser1261Gly)

Gene: LRBA (LPS responsive beige-like anchor protein; minus strand). Cytogenetic location: 4q31.3.
Variant type: single nucleotide variant.
Coding change: c.3781A>G on transcript NM_001364905.1 (MANE Select); coding-DNA position 3781, A replaced by G.
Protein change: p.Ser1261Gly; replaces serine 1261 with glycine.
Molecular consequence: missense variant.
Genome position (GRCh38, 1-based): chr4:150,851,929, T>C on the plus strand (A>G on the coding strand, the complement: LRBA is on the minus strand). VCF-style: chr4-150851929-T-C. GRCh37 (hg19) VCF-style: chr4-151773081-T-C.
Other names: c.3781A>G, p.Ser1261Gly (NM_001199282.3, NM_001367550.1, NM_006726.5); short protein forms S1261G.
Identifiers: ClinVar variation 1387169 (VCV001387169.8), dbSNP rs1426186164, ClinGen allele CA358456306.